The following is an entry in ClinVar:

NM_018834.6(MATR3):c.2037C>T (p.Thr679=)

Genes: MATR3 (matrin 3; plus strand), LOC126807526 (CDK7 strongly-dependent group 2 enhancer GRCh37_chr5:138657767-138658966; plus strand). Cytogenetic location: 5q31.2.
Variant type: single nucleotide variant.
Coding change: c.2037C>T on transcript NM_018834.6 (MANE Select); coding-DNA position 2037, C replaced by T.
Protein change: p.Thr679=; no amino-acid change (threonine 679 retained).
Molecular consequence: synonymous variant.
Genome position (GRCh38, 1-based): chr5:139,322,856, C>T. VCF-style: chr5-139322856-C-T. GRCh37 (hg19) VCF-style: chr5-138658545-C-T.
Other names: c.2037C>T, p.Thr679= (NM_001194954.2, NM_001194955.2, NM_001400441.1 and 16 more transcripts); c.1173C>T, p.Thr391= (NM_001194956.2); c.1023C>T, p.Thr341= (NM_001282278.2, NM_001400460.1, NM_001400462.1 and 5 more transcripts); c.1176C>T, p.Thr392= (NM_001400459.1); c.1137C>T, p.Thr379= (NM_001400461.1).
Identifiers: ClinVar variation 3351081 (VCV003351081.1).

ClinVar aggregate classification (germline): Likely benign (0 of 4 stars; one submission).

Conditions:
MATR3-related disorder. Also called: MATR3-related condition.

gnomAD v4.1: 19 of 1,614,100 alleles (0.0012%); highest among the groups gnomAD compares: East Asian, 0.031%; 1 homozygote.

Submission:

PreventionGenetics, part of Exact Sciences
Classification: Likely benign for MATR3-related condition. Last evaluated: 2024-08-06. Review status: no assertion criteria provided. Collection method: clinical testing. Allele origin: germline.
Comment: This variant is classified as likely benign based on ACMG/AMP sequence variant interpretation guidelines (Richards et al. 2015 PMID: 25741868, with internal and published modifications).